The following continues an entry in ClinVar:

NM_000169.3(GLA):c.1067G>A (p.Arg356Gln)

ClinVar aggregate classification (germline): Conflicting classifications of pathogenicity. Pathogenic (1); Uncertain significance (9).

Submissions 7 to 11 of 11:

Color Diagnostics, LLC DBA Color Health
Classification: Uncertain significance for Fabry disease. Last evaluated: 2023-11-02. Review status: criteria provided, single submitter. Criteria: ACMG Guidelines, 2015. Collection method: clinical testing. Allele origin: germline.
Comment: This missense variant replaces arginine with glutamine at codon 356 of the GLA protein. Computational prediction is inconclusive regarding the impact of this variant on protein structure and function (internally defined REVEL score threshold 0.5 < inconclusive < 0.7, PMID: 27666373). This variant has also been reported in over 20 individuals in several Fabry disease screening studies (PMID: 19621417, 20864368, 27238910, 28615118, 29330335, Coutinho et al., 2017, Burlina et al., 2019). Some studies have shown that this variant causes a partial reduction of alpha-galactosidase activity in carriers (PMID: 19621417, 27238910, 28615118, Burlina et al., 2019), while other studies have shown no impact on the enzyme activity (PMID: 23935525, 28615118, 29330335). The proband's sister and daughter both carried these two variants. The sister was affected with left ventricular hypertrophy and microalbuminuria, while the daughter was asymptomatic. This variant has been reported in eight individuals including four males in a family, none of whom had clinical manifestations related to Fabry disease (PMID: 28615118). This variant has been reported in multiple healthy adults in the UK Biobank (PMID: 35977816). This variant has been identified in 2/183292 chromosomes in the general population by the Genome Aggregation Database (gnomAD). A different missense variant at the same codon, p.Arg356Trp, has been associated with Fabry disease and hypertrophic cardiomyopathy (Clinvar variation ID: 10713), suggesting that arginine at this position is important for GLA function. n summary, this variant has been reported in individuals affected with Fabry disease and/or showing reduced GLA enzyme activity and it has also been observed in multiple unaffected individuals. Additional studies are necessary to determine the role of this variant in disease conclusively. Therefore, this variant is classified as a Variant of Uncertain Significance.

Genome-Nilou Lab
Classification: Uncertain significance for Fabry disease. Last evaluated: 2021-07-15. Review status: criteria provided, single submitter. Criteria: ACMG Guidelines, 2015. Collection method: clinical testing. Allele origin: germline. Affected: no.

Broad Center for Mendelian Genomics, Broad Institute of MIT and Harvard
Classification: Uncertain significance for Fabry disease. Last evaluated: 2020-01-22. Review status: criteria provided, single submitter. Criteria: ACMG Guidelines, 2015. Collection method: curation. Allele origin: germline. Inheritance: X-linked inheritance.
Comment: The p.Arg356Gln variant in GLA has been reported in multiple individuals with Fabry disease (PMID: 19621417, 27238910, 23826564, 28615118), and has been identified in 0.0076% (1/13161) African chromosomes, including one hemizygote, and 0.0012% (1/81755) European (non-Finnish) chromosomes by the Genome Aggregation Database (gnomAD; dbSNP rs869312163). Although this variant has been seen in the general population, its frequency is low enough to be consistent with Fabry disease. Please note that for diseases with clinical variability, or reduced penetrance, pathogenic variants may be present at a low frequency in the general population. This variant has also been reported in ClinVar as likely pathogenic by Invitae and as a VUS by EGL Genetic Diagnostics (Variation ID:222135). In vitro functional studies provide some evidence that the p.Arg356Gln variant may slightly impact protein function through decreased GLA enzyme activity (PMID: 28615118, 27238910, 19621417). However, these types of assays may not accurately represent biological function. Computational prediction tools and conservation analyses do not provide strong support for or against an impact to the protein. One additional likely pathogenic variant, causing a different amino acid change at the same position, (p.Arg356Trp), has been reported in association with disease in the literature and ClinVar, slightly supporting that a change at this position may not be tolerated (PMID: 23935525, 22773828, 17555407, 17532296, 20031620, 23537685, 2539398, 21598360, 22551898, 26415523;Variation ID:217411,10713). In summary, while there is some suspicion for a pathogenic role, the clinical significance of this variant is uncertain. ACMG/AMP Criteria applied: PM2_supporting, PM5_supporting, PS3_supporting (Richards 2015).

X-linked inheritance (primarily recessive with milder female expression)

Eurofins Ntd Llc (ga)
Classification: Uncertain significance. Last evaluated: 2018-08-09. Review status: criteria provided, single submitter. Criteria: EGL ClinVar v180209 classification definitions. Collection method: clinical testing. Allele origin: germline.

PreventionGenetics, part of Exact Sciences
Classification: Uncertain significance for GLA-related condition. Last evaluated: 2024-07-18. Review status: no assertion criteria provided. Collection method: clinical testing. Allele origin: germline. Not counted in ClinVar's aggregate classification.
Comment: The GLA c.1067G>A variant is predicted to result in the amino acid substitution p.Arg356Gln. This variant was reported in individuals with positive newborn screening results for Fabry disease (Hwu et al. 2009. PubMed ID: 19621417; Sawada et al. 2020. PubMed ID: 31956509; Liao et al. 2018. PubMed ID: 28615118; Gragnaniello et al. 2021. PubMed ID: 34199132; Wasserstein MP et al 2018. PubMed ID: 30093709); PubMed ID: 19621417). In another study newborns and their family members (7 females and 8 males from at least 3 generations) did not show clinical symptoms or elevated lyso-Gb3 (Figure 4b, Table 4, Liao et al. 2018. PubMed ID: 28615118). This variant was also described in a patient with classic Fabry phenotype (Duro et al. 2018. PubMed ID: 30477121). However, this variant was also detected in an individual with Fabry disease who harbored a second possible causative variant in GLA (Carvalho Silva et al. 2019. PubMed ID: 31634893). In vitro enzyme analysis indicates that the p.Arg356Gln change results in a protein with residual enzyme activity with conflicting results ranging from 15-89% in reported studies (Hwu et al. 2009. PubMed ID: 19621417; Liao et al. 2018. PubMed ID: 28615118; Table S1, Lukas et al. 2013. PubMed ID: 23935525; Table S1, Benjamin et al. 2017. PubMed ID: 27657681). This variant is reported in 0.0076% of alleles in individuals of African descent in gnomAD, including 1 hemizygote. Different amino acid changes at this position (p.Arg356Gly, p.Arg356Trp, and p.Arg356Pro) have been reported in individuals with suspected Fabry disease (Pan et al. 2016. PubMed ID: 27560961; Berstein et al. 1989. PubMed ID: 2539398; Lukas et al. 2016. PubMed ID: 26415523). In the ClinVar database, the p.Arg365Gln variant is reported with conflicting interpretations ranging from 'uncertain' to 'likely pathogenic' by outside laboratories. At this time, the clinical significance of the c.1067G (p.Arg356Gln) variant is uncertain due to the absence of conclusive functional and genetic evidence.

Literature cited by the submitters: PubMed 27585509 (cited by Genomenon, Inc); PubMed 27834756 (cited by Genomenon, Inc); PubMed 31996269 (cited by Genomenon, Inc and Labcorp Genetics (formerly Invitae), Labcorp); PubMed 27657681 (cited by Genomenon, Inc); PubMed 29853467 (cited by Genomenon, Inc); PubMed 29661900 (cited by Genomenon, Inc); PubMed 39609713 (cited by Genomenon, Inc); PubMed 36709535 (cited by Genomenon, Inc); PubMed 32023956 (cited by Genomenon, Inc); PubMed 19621417 (cited by 5 submitters); PubMed 34199132 (cited by Genomenon, Inc); PubMed 20864368 (cited by Genomenon, Inc and Color Diagnostics, LLC DBA Color Health); PubMed 28615118 (cited by 5 submitters); PubMed 23935525 (cited by 5 submitters); PubMed 31956509 (cited by 3 submitters); PubMed 33072983 (cited by Genomenon, Inc); PubMed 27238910 (cited by 3 submitters); PubMed 30477121 (cited by 3 submitters); PubMed 2539398 (cited by Labcorp Genetics (formerly Invitae), Labcorp); PubMed 17532296 (cited by Labcorp Genetics (formerly Invitae), Labcorp); PubMed 17555407 (cited by Labcorp Genetics (formerly Invitae), Labcorp); PubMed 21598360 (cited by Labcorp Genetics (formerly Invitae), Labcorp); PubMed 24582695 (cited by Labcorp Genetics (formerly Invitae), Labcorp); PubMed 25611685 (cited by Labcorp Genetics (formerly Invitae), Labcorp); PubMed 31634893 (cited by Women's Health and Genetics/Laboratory Corporation of America, LabCorp and Color Diagnostics, LLC DBA Color Health); PubMed 40355959 (cited by Women's Health and Genetics/Laboratory Corporation of America, LabCorp); PubMed 30093709 (cited by Ambry Genetics); PubMed 29330335 (cited by Color Diagnostics, LLC DBA Color Health); PubMed 35977816 (cited by Color Diagnostics, LLC DBA Color Health).